The following is an entry in ClinVar:

ClinVar aggregate classification (germline): Uncertain significance (1 of 4 stars; one submission).

Conditions:
SPG7-related disorder. Also called: SPG7-related condition.

Submission:

PreventionGenetics, part of Exact Sciences
Classification: Uncertain significance for SPG7-related condition. Last evaluated: 2022-11-21. Review status: criteria provided, single submitter. Criteria: ACMG Guidelines, 2015. Collection method: clinical testing. Allele origin: germline.
Comment: The SPG7 c.1189G>C variant is predicted to result in the amino acid substitution p.Ala397Pro. To our knowledge, this variant has not been reported in the literature or in a large population database, indicating this variant is rare. At this time, the clinical significance of this variant is uncertain due to the absence of conclusive functional and genetic evidence.

NM_003119.4(SPG7):c.1189G>C (p.Ala397Pro)

Gene: SPG7 (SPG7 matrix AAA peptidase subunit, paraplegin; plus strand). Cytogenetic location: 16q24.3.
Variant type: single nucleotide variant.
Coding change: c.1189G>C on transcript NM_003119.4 (MANE Select); coding-DNA position 1189, G replaced by C.
Protein change: p.Ala397Pro; replaces alanine 397 with proline.
Molecular consequence: missense variant.
Genome position (GRCh38, 1-based): chr16:89,532,501, G>C. VCF-style: chr16-89532501-G-C. GRCh37 (hg19) VCF-style: chr16-89598909-G-C.
Other names: c.1189G>C, p.Ala397Pro (NM_001363850.1, NM_199367.3); short protein forms A397P.
Identifiers: ClinVar variation 2635549 (VCV002635549.1), dbSNP rs2058358268, ClinGen allele CA397420747.
Genomic context (GRCh38, chr16:89,532,501, plus strand): 5'-GATTCTCTCTGTGTCCCCTCAGGCCTCGGCGCTGCCCGTGTGCGGAGCCTCTTTAAGGAA[G>C]CCCGAGCCCGGGCCCCCTGCATCGTCTACATCGATGAGATCGACGCGGTGGGCAAGAAGC-3'
Protein context (NP_003110.1, residues 387-407): AARVRSLFKE[Ala397Pro]RARAPCIVYI